The following is an entry in ClinVar:

NM_001457.4(FLNB):c.6512A>C (p.Tyr2171Ser)

Gene: FLNB (filamin B; plus strand). Cytogenetic location: 3p14.3.
Variant type: single nucleotide variant.
Coding change: c.6512A>C on transcript NM_001457.4 (MANE Select); coding-DNA position 6512, A replaced by C.
Protein change: p.Tyr2171Ser; replaces tyrosine 2171 with serine.
Molecular consequence: missense variant.
Genome position (GRCh38, 1-based): chr3:58,153,519, A>C. VCF-style: chr3-58153519-A-C. GRCh37 (hg19) VCF-style: chr3-58139246-A-C.
Other names: c.6605A>C, p.Tyr2202Ser (NM_001164317.2); c.6479A>C, p.Tyr2160Ser (NM_001164318.2); c.6440A>C, p.Tyr2147Ser (NM_001164319.2); short protein forms Y2160S, Y2171S, Y2202S, Y2147S.
Identifiers: ClinVar variation 1485389 (VCV001485389.6), dbSNP rs1051450577, ClinGen allele CA75476004.

ClinVar aggregate classification (germline): Uncertain significance. Review status: criteria provided, multiple submitters, no conflicts (2 of 4 stars). 2 submissions from 2 submitters: Uncertain significance (2). Last evaluated 2026-01-13.

Allele frequency attached by ClinVar (database versions not stated): gnomAD exomes below 0.00001.
gnomAD v4.1: 1 of 1,614,182 alleles (0.000062%); highest among the groups gnomAD compares: Non-Finnish European, 0.000085%; no homozygotes.

Submissions (2):

Labcorp Genetics (formerly Invitae), Labcorp
Classification: Uncertain significance. Last evaluated: 2026-01-13. Review status: criteria provided, single submitter. Criteria: Invitae Variant Classification Sherloc (09022015). Collection method: clinical testing. Allele origin: germline.
Comment: This sequence change replaces tyrosine, which is neutral and polar, with serine, which is neutral and polar, at codon 2171 of the FLNB protein (p.Tyr2171Ser). This variant is not present in population databases (gnomAD no frequency). This variant has not been reported in the literature in individuals affected with FLNB-related conditions. ClinVar contains an entry for this variant (Variation ID: 1485389). Invitae Evidence Modeling of protein sequence and biophysical properties (such as structural, functional, and spatial information, amino acid conservation, physicochemical variation, residue mobility, and thermodynamic stability) indicates that this missense variant is not expected to disrupt FLNB protein function with a negative predictive value of 80%. In summary, the available evidence is currently insufficient to determine the role of this variant in disease. Therefore, it has been classified as a Variant of Uncertain Significance.

Greenwood Genetic Center Diagnostic Laboratories, Greenwood Genetic Center
Classification: Uncertain significance. Last evaluated: 2025-12-19. Review status: criteria provided, single submitter. Criteria: ACMG Guidelines, 2015. Collection method: clinical testing. Allele origin: germline. Affected: yes.
Comment: PM2, PP2, PP3